The following is an entry in ClinVar:

ClinVar aggregate classification (germline): Uncertain significance. Review status: criteria provided, multiple submitters, no conflicts (2 of 4 stars). 2 submissions from 2 submitters: Uncertain significance (2). Last evaluated 2026-02-09.

Allele frequency attached by ClinVar (database versions not stated): TOPMed 0.00001; gnomAD exomes 0.00002; gnomAD 0.00002.
gnomAD v4.1: 35 of 1,543,018 alleles (0.0023%); highest among the groups gnomAD compares: Non-Finnish European, 0.0025%; no homozygotes.

Submissions (2):

GeneDx
Classification: Uncertain significance. Last evaluated: 2026-02-09. Review status: criteria provided, single submitter. Criteria: GeneDx Variant Classification Process June 2021. Collection method: clinical testing. Allele origin: germline.
Comment: Not observed at significant frequency in large population cohorts (gnomAD); Missense variant in a gene in which most reported pathogenic variants are truncating/loss of function; Has not been previously published as pathogenic or benign to our knowledge

Revvity Omics, Revvity
Classification: Uncertain significance. Last evaluated: 2019-12-19. Review status: criteria provided, single submitter. Criteria: ACMG Guidelines, 2015. Collection method: clinical testing. Allele origin: germline.

NM_001267550.2(TTN):c.30748C>T (p.Arg10250Cys)

Gene: TTN (titin; minus strand). Cytogenetic location: 2q31.2.
Variant type: single nucleotide variant.
Coding change: c.30748C>T on transcript NM_001267550.2 (MANE Select); coding-DNA position 30748, C replaced by T.
Protein change: p.Arg10250Cys; replaces arginine 10250 with cysteine.
Molecular consequence: missense variant. On other transcripts: intron variant (3).
Genome position (GRCh38, 1-based): chr2:178,698,849, G>A on the plus strand (C>T on the coding strand, the complement: TTN is on the minus strand). VCF-style: chr2-178698849-G-A. GRCh37 (hg19) VCF-style: chr2-179563576-G-A.
Other names: c.29797C>T, p.Arg9933Cys (NM_001256850.1); c.27016C>T, p.Arg9006Cys (NM_133378.4); c.13282+39233C>T (NM_003319.4); c.13858+39233C>T (NM_133437.4); c.13657+39233C>T (NM_133432.3); short protein forms R10250C, R9006C, R9933C.
Identifiers: ClinVar variation 2438151 (VCV002438151.4), dbSNP rs796799742, ClinGen allele CA60993604.